The following is an entry in ClinVar:

NM_004187.5(KDM5C):c.781+10A>G

Gene: KDM5C (lysine demethylase 5C; minus strand). Cytogenetic location: Xp11.22.
Variant type: single nucleotide variant.
Coding change: c.781+10A>G on transcript NM_004187.5 (MANE Select); 10 bases into the intron after coding-DNA position 781, A replaced by G.
Molecular consequence: intron variant.
Genome position (GRCh38, 1-based): chrX:53,216,064, T>C on the plus strand (A>G on the coding strand, the complement: KDM5C is on the minus strand). VCF-style: chrX-53216064-T-C. GRCh37 (hg19) VCF-style: chrX-53245246-T-C.
Other names: c.778+10A>G (NM_001282622.3, NM_001353982.2, NM_001353979.2); c.781+10A>G (NM_001353978.3, NM_001353981.2, NM_001353984.2 and 1 more transcripts); c.580+10A>G (NM_001146702.2).
Identifiers: ClinVar variation 3702319 (VCV003702319.3).

ClinVar aggregate classification (germline): Likely benign. Review status: criteria provided, multiple submitters, no conflicts (2 of 4 stars). 2 submissions from 2 submitters: Likely benign (2). Last evaluated 2026-02-09.

Conditions:
Spastic paraplegia. Identifiers: MedGen C0037772, HP:0001258.
KDM5C-related disorder. Also called: KDM5C-related condition.

Submissions (2):

PreventionGenetics, part of Exact Sciences
Classification: Likely benign for KDM5C-related condition. Last evaluated: 2026-02-09. Review status: criteria provided, single submitter. Criteria: ACMG Guidelines, 2015. Collection method: clinical testing. Allele origin: germline.
Comment: This variant is classified as likely benign based on ACMG/AMP sequence variant interpretation guidelines (Richards et al. 2015 PMID: 25741868, with internal and published modifications).

Labcorp Genetics (formerly Invitae), Labcorp
Classification: Likely benign for Spastic paraplegia. Last evaluated: 2025-11-10. Review status: criteria provided, single submitter. Criteria: Invitae Variant Classification Sherloc (09022015). Collection method: clinical testing. Allele origin: germline.